The following is an entry in ClinVar:

NM_001953.5(TYMP):c.231C>T (p.Ala77=)

Genes: TYMP (thymidine phosphorylase; minus strand), LOC130067864 (ATAC-STARR-seq lymphoblastoid active region 19325; plus strand). Cytogenetic location: 22q13.33.
Variant type: single nucleotide variant.
Coding change: c.231C>T on transcript NM_001953.5 (MANE Select); coding-DNA position 231, C replaced by T.
Protein change: p.Ala77=; no amino-acid change (alanine 77 retained).
Molecular consequence: synonymous variant.
Genome position (GRCh38, 1-based): chr22:50,529,322, G>A on the plus strand (C>T on the coding strand, the complement: TYMP is on the minus strand). VCF-style: chr22-50529322-G-A. GRCh37 (hg19) VCF-style: chr22-50967751-G-A.
Other names: c.231C>T, p.Ala77= (NM_001113755.3, NM_001113756.3, NM_001257988.1 and 3 more transcripts).
Identifiers: ClinVar variation 384376 (VCV000384376.11), dbSNP rs759383300, ClinGen allele CA10321814.

ClinVar aggregate classification (germline): Likely benign. Review status: criteria provided, multiple submitters, no conflicts (2 of 4 stars). 3 submissions from 3 submitters: Likely benign (3). Last evaluated 2026-01-24.

Allele frequency attached by ClinVar (database versions not stated): gnomAD exomes below 0.00001 and 0.00001; ExAC 0.00001; TOPMed 0.00001.
gnomAD v4.1: 15 of 1,613,362 alleles (0.00093%); highest among the groups gnomAD compares: Non-Finnish European, 0.0013%; no homozygotes.

Submissions (3):

Labcorp Genetics (formerly Invitae), Labcorp
Classification: Likely benign. Last evaluated: 2026-01-24. Review status: criteria provided, single submitter. Criteria: Invitae Variant Classification Sherloc (09022015). Collection method: clinical testing. Allele origin: germline.

Blueprint Genetics
Classification: Likely benign. Last evaluated: 2023-03-09. Review status: criteria provided, single submitter. Criteria: ACMG Guidelines, 2015. Collection method: clinical testing. Allele origin: germline.

GeneDx
Classification: Likely benign. Last evaluated: 2016-03-15. Review status: criteria provided, single submitter. Criteria: GeneDx Variant Classification (06012015). Collection method: clinical testing. Allele origin: germline. Affected: yes.
Comment: This variant is considered likely benign or benign based on one or more of the following criteria: it is a conservative change, it occurs at a poorly conserved position in the protein, it is predicted to be benign by multiple in silico algorithms, and/or has population frequency not consistent with disease.